The following is an entry in ClinVar:

NM_005120.3(MED12):c.2123AGG[1] (p.Glu709del)

Gene: MED12 (mediator complex subunit 12; plus strand). Cytogenetic location: Xq13.1.
Variant type: Microsatellite.
Coding change: c.2123AGG[1] on transcript NM_005120.3 (MANE Select); one copy of the 3-base unit AGG starting at c.2123; the reference has two copies in a row; one copy, 3 bases deleted; also written c.2126_2128del.
Protein change: p.Glu709del; deletes glutamic acid 709.
Molecular consequence: inframe deletion.
Genome position (GRCh38, 1-based): chrX:71,125,046-71,125,048, AGG deleted; deleting any 3 consecutive bases within chrX:71,125,043-71,125,048 gives the same sequence; the position shown is the placement nearest the transcript's 3' end. VCF-style (leftmost placement, unchanged base first): chrX-71125042-AAGG-A. GRCh37 (hg19) VCF-style: chrX-70344892-AAGG-A.
Other names: c.2126_2128del (NM_005120.2); c.2126_2128delAGG (NM_005120.2); short protein forms E709del.
Identifiers: ClinVar variation 1086131 (VCV001086131.12), dbSNP rs1261680398, ClinGen allele CA877810071.

ClinVar aggregate classification (germline): Conflicting classifications of pathogenicity. Review status: criteria provided, conflicting classifications (1 of 4 stars). 4 submissions from 4 submitters: Uncertain significance (3); Likely benign (1). Last evaluated 2025-03-27.

Conditions:
MED12-Related Disorders. Also called: MED12-related condition; MED12-related disorder. Identifiers: MedGen CN381102.
Familial thoracic aortic aneurysm and aortic dissection (TAAD). Also called: Thoracic aortic aneurysms and dissections. Identifiers: Orphanet 91387, MedGen C4707243, MONDO:0019625.
FG syndrome (FGS). Identifiers: MedGen C0220769, MONDO:0002010.

Submissions (4):

Ambry Genetics
Classification: Uncertain significance for Familial thoracic aortic aneurysm and aortic dissection. Last evaluated: 2025-03-27. Review status: criteria provided, single submitter. Criteria: Ambry Variant Classification Scheme 2023. Collection method: clinical testing. Allele origin: germline.
Comment: The c.2126_2128delAGG variant (also known as p.E709del) is located in coding exon 15 of the MED12 gene. This variant results from an in-frame AGG deletion at nucleotide positions 2126 to 2128. This results in the in-frame deletion of a glutamic acid at codon 709. This amino acid position is not well conserved in available vertebrate species. In addition, this alteration is predicted to be neutral by in silico analysis (Choi Y et al. PLoS ONE. 2012; 7(10):e46688). Based on the available evidence, the clinical significance of this variant remains unclear.

Labcorp Genetics (formerly Invitae), Labcorp
Classification: Likely benign for FG syndrome. Last evaluated: 2023-03-04. Review status: criteria provided, single submitter. Criteria: Invitae Variant Classification Sherloc (09022015). Collection method: clinical testing. Allele origin: germline.

GeneDx
Classification: Uncertain significance. Last evaluated: 2023-01-05. Review status: criteria provided, single submitter. Criteria: GeneDx Variant Classification Process June 2021. Collection method: clinical testing. Allele origin: germline. Affected: yes.
Comment: Not observed at significant frequency in large population cohorts (gnomAD); Has not been previously published as pathogenic or benign to our knowledge; In silico analysis supports a deleterious effect on protein structure/function; In silico analysis suggests this variant may impact gene splicing. In the absence of RNA/functional studies, the actual effect of this sequence change is unknown.; In-frame deletion of 1 amino acid in a non-repeat region

PreventionGenetics, part of Exact Sciences
Classification: Uncertain significance for MED12-related condition. Last evaluated: 2022-08-18. Review status: criteria provided, single submitter. Criteria: ACMG Guidelines, 2015. Collection method: clinical testing. Allele origin: germline.
Comment: The MED12 c.2126_2128delAGG variant is predicted to result in an in-frame deletion (p.Glu709del). To our knowledge, this variant has not been reported in the literature or in a large population database, indicating this variant is rare. At this time, the clinical significance of this variant is uncertain due to the absence of conclusive functional and genetic evidence.